The following is an entry in ClinVar:

NM_016239.4(MYO15A):c.2224C>T (p.Arg742Ter)

Gene: MYO15A (myosin XVA; plus strand). Cytogenetic location: 17p11.2.
Variant type: single nucleotide variant.
Coding change: c.2224C>T on transcript NM_016239.4 (MANE Select); coding-DNA position 2224, C replaced by T.
Protein change: p.Arg742Ter; replaces arginine 742 with a stop codon.
Molecular consequence: nonsense.
Genome position (GRCh38, 1-based): chr17:18,121,024, C>T. VCF-style: chr17-18121024-C-T. GRCh37 (hg19) VCF-style: chr17-18024338-C-T.
Other names: short protein forms R742*.
Identifiers: ClinVar variation 2698962 (VCV002698962.3), dbSNP rs1352876349, ClinGen allele CA398581534.

ClinVar aggregate classification (germline): Pathogenic (1 of 4 stars; one submission).

Allele frequency attached by ClinVar (database versions not stated): gnomAD exomes 0.00001.
gnomAD v4.1: 3 of 1,509,198 alleles (0.0002%); highest among the groups gnomAD compares: Admixed American, 0.0041%; no homozygotes.

Submission:

Labcorp Genetics (formerly Invitae), Labcorp
Classification: Pathogenic. Last evaluated: 2023-11-25. Review status: criteria provided, single submitter. Criteria: Invitae Variant Classification Sherloc (09022015). Collection method: clinical testing. Allele origin: germline.
Comment: This sequence change creates a premature translational stop signal (p.Arg742*) in the MYO15A gene. It is expected to result in an absent or disrupted protein product. Loss-of-function variants in MYO15A are known to be pathogenic (PMID: 17546645). The frequency data for this variant in the population databases is considered unreliable, as metrics indicate poor data quality at this position in the gnomAD database. This variant has not been reported in the literature in individuals affected with MYO15A-related conditions. For these reasons, this variant has been classified as Pathogenic.

Literature cited by the submitters: PubMed 17546645.